The following is an entry in ClinVar:

NM_031206.7(LAS1L):c.7T>C (p.Trp3Arg)

Gene: LAS1L (LAS1 like ribosome biogenesis factor; minus strand). Cytogenetic location: Xq12.
Variant type: single nucleotide variant.
Coding change: c.7T>C on transcript NM_031206.7 (MANE Select); coding-DNA position 7, T replaced by C.
Protein change: p.Trp3Arg; replaces tryptophan 3 with arginine.
Molecular consequence: missense variant. On other transcripts: 5 prime UTR variant (1), non-coding transcript variant (1).
Genome position (GRCh38, 1-based): chrX:65,534,709, A>G on the plus strand (T>C on the coding strand, the complement: LAS1L is on the minus strand). VCF-style: chrX-65534709-A-G. GRCh37 (hg19) VCF-style: chrX-64754589-A-G.
Other names: c.7T>C, p.Trp3Arg (NM_001170649.2, NM_001170650.2, NM_001375328.1 and 8 more transcripts); c.-790T>C (NM_001375332.1); short protein forms W3R.
Identifiers: ClinVar variation 1683380 (VCV001683380.1), dbSNP rs754948682, ClinGen allele CA10434156.
Genomic context (GRCh38, chrX:65,534,709, plus strand): 5'-ACGCACTCCACACGAGATCCATCCCCTGGGAACCTAGACCTGGCCCGGCCCCGGATTCCC[A>G]CGACATACTGAGCTCAACAACAGGCTCTGTGCCGCGCCGCTCCGCACAGCCTTCAGCTCA-3'
Protein context (NP_112483.1, residues 1-13): MS[Trp3Arg]ESGAGPGLGS

ClinVar aggregate classification (germline): Uncertain significance (1 of 4 stars; one submission).

Allele frequency attached by ClinVar (database versions not stated): gnomAD exomes below 0.00001 and 0.00001.
gnomAD v4.1: 1 of 1,160,467 alleles (0.000086%); highest among the groups gnomAD compares: Admixed American, 0.0026%; no homozygotes.

Submission:

Women's Health and Genetics/Laboratory Corporation of America, LabCorp
Classification: Uncertain significance. Last evaluated: 2022-04-19. Review status: criteria provided, single submitter. Criteria: LabCorp Variant Classification Summary - May 2015. Collection method: clinical testing. Allele origin: germline.
Comment: Variant summary: LAS1L c.7T>C (p.Trp3Arg) results in a non-conservative amino acid change in the encoded protein sequence. Three of five in-silico tools predict a benign effect of the variant on protein function. The variant allele was found at a frequency of 8.5e-06 in 117845 control chromosomes. The available data on variant occurrences in the general population are insufficient to allow any conclusion about variant significance. To our knowledge, no occurrence of c.7T>C in individuals affected with Intellectual Developmental Disorder, X-Linked, Syndromic, Wilson-Turner Type and no experimental evidence demonstrating its impact on protein function have been reported. No clinical diagnostic laboratories have submitted clinical-significance assessments for this variant to ClinVar after 2014. Based on the evidence outlined above, the variant was classified as uncertain significance.